The following is an entry in ClinVar:

ClinVar aggregate classification (germline): Uncertain significance. Review status: criteria provided, multiple submitters, no conflicts (2 of 4 stars). 3 submissions from 3 submitters: Uncertain significance (3). Last evaluated 2026-02-01.

Conditions:
Inborn genetic diseases. Identifiers: MedGen C0950123, MeSH D030342.

gnomAD v4.1: 35 of 1,611,866 alleles (0.0022%); highest among the groups gnomAD compares: Middle Eastern, 0.13%; no homozygotes.

Submissions (3):

CeGaT Center for Human Genetics Tuebingen
Classification: Uncertain significance. Last evaluated: 2026-02-01. Review status: criteria provided, single submitter. Criteria: CeGaT Center For Human Genetics Tuebingen Variant Classification Criteria Version 2. Collection method: clinical testing. Allele origin: germline. Affected: yes. Observed: 1 variant allele.

Labcorp Genetics (formerly Invitae), Labcorp
Classification: Uncertain significance. Last evaluated: 2025-10-31. Review status: criteria provided, single submitter. Criteria: Invitae Variant Classification Sherloc (09022015). Collection method: clinical testing. Allele origin: germline.
Comment: This sequence change replaces lysine, which is basic and polar, with arginine, which is basic and polar, at codon 209 of the LMNB1 protein (p.Lys209Arg). This variant is present in population databases (rs200755504, gnomAD 0.005%). This variant has not been reported in the literature in individuals affected with LMNB1-related conditions. ClinVar contains an entry for this variant (Variation ID: 3867509). Invitae Evidence Modeling of protein sequence and biophysical properties (such as structural, functional, and spatial information, amino acid conservation, physicochemical variation, residue mobility, and thermodynamic stability) indicates that this missense variant is not expected to disrupt LMNB1 protein function with a negative predictive value of 80%. In summary, the available evidence is currently insufficient to determine the role of this variant in disease. Therefore, it has been classified as a Variant of Uncertain Significance.

Ambry Genetics
Classification: Uncertain significance for Inborn genetic diseases. Last evaluated: 2025-02-12. Review status: criteria provided, single submitter. Criteria: Ambry Variant Classification Scheme 2023. Collection method: clinical testing. Allele origin: germline.

NM_005573.4(LMNB1):c.626A>G (p.Lys209Arg)

Gene: LMNB1 (lamin B1; plus strand). Cytogenetic location: 5q23.2.
Variant type: single nucleotide variant.
Coding change: c.626A>G on transcript NM_005573.4 (MANE Select); coding-DNA position 626, A replaced by G.
Protein change: p.Lys209Arg; replaces lysine 209 with arginine.
Molecular consequence: missense variant. On other transcripts: 5 prime UTR variant (1), non-coding transcript variant (2).
Genome position (GRCh38, 1-based): chr5:126,805,680, A>G. VCF-style: chr5-126805680-A-G. GRCh37 (hg19) VCF-style: chr5-126141372-A-G.
Other names: c.-5A>G (NM_001198557.2); short protein forms K209R.
Identifiers: ClinVar variation 3867509 (VCV003867509.6).